The following is an entry in ClinVar:

ClinVar aggregate classification (germline): Uncertain significance. Review status: criteria provided, multiple submitters, no conflicts (2 of 4 stars). 2 submissions from 2 submitters: Uncertain significance (2). Last evaluated 2025-08-23.

Allele frequency attached by ClinVar (database versions not stated): ESP Exome Variant Server 0.00008.

Submissions (2):

Ambry Genetics
Classification: Uncertain significance. Last evaluated: 2025-08-23. Review status: criteria provided, single submitter. Criteria: Ambry Variant Classification Scheme 2023. Collection method: clinical testing. Allele origin: germline.

Labcorp Genetics (formerly Invitae), Labcorp
Classification: Uncertain significance. Last evaluated: 2025-05-23. Review status: criteria provided, single submitter. Criteria: Invitae Variant Classification Sherloc (09022015). Collection method: clinical testing. Allele origin: germline.
Comment: This sequence change replaces serine, which is neutral and polar, with phenylalanine, which is neutral and non-polar, at codon 513 of the IL17RD protein (p.Ser513Phe). This variant is present in population databases (rs142134204, gnomAD 0.008%). This variant has not been reported in the literature in individuals affected with IL17RD-related conditions. ClinVar contains an entry for this variant (Variation ID: 2570500). Invitae Evidence Modeling of protein sequence and biophysical properties (such as structural, functional, and spatial information, amino acid conservation, physicochemical variation, residue mobility, and thermodynamic stability) has been performed for this missense variant. However, the output from this modeling did not meet the statistical confidence thresholds required to predict the impact of this variant on IL17RD protein function. In summary, the available evidence is currently insufficient to determine the role of this variant in disease. Therefore, it has been classified as a Variant of Uncertain Significance.

NM_017563.5(IL17RD):c.1538C>T (p.Ser513Phe)

Genes: IL17RD (interleukin 17 receptor D; minus strand), LOC126806689 (BRD4-independent group 4 enhancer GRCh37_chr3:57131244-57132443; plus strand). Cytogenetic location: 3p14.3.
Variant type: single nucleotide variant.
Coding change: c.1538C>T on transcript NM_017563.5 (MANE Select); coding-DNA position 1538, C replaced by T.
Protein change: p.Ser513Phe; replaces serine 513 with phenylalanine.
Molecular consequence: missense variant.
Genome position (GRCh38, 1-based): chr3:57,098,165, G>A on the plus strand (C>T on the coding strand, the complement: IL17RD is on the minus strand). VCF-style: chr3-57098165-G-A. GRCh37 (hg19) VCF-style: chr3-57132193-G-A.
Other names: c.1538C>T, p.Ser513Phe (NM_001080973.1); c.1106C>T, p.Ser369Phe (NM_001318864.2); short protein forms S513F, S369F.
Identifiers: ClinVar variation 2570500 (VCV002570500.4), dbSNP rs142134204, ClinGen allele CA2462713.